The following is an entry in ClinVar:

ClinVar aggregate classification (germline): Benign/Likely benign. Review status: criteria provided, multiple submitters, no conflicts (2 of 4 stars). 6 submissions from 6 submitters: Benign (1); Likely benign (4). 1 of the submissions does not count toward it. Last evaluated 2026-01-19.

Conditions:
Menke-Hennekam syndrome 1 (MKHK1). Identifiers: MedGen C5193034, MONDO:0020763, OMIM 618332.
Rubinstein-Taybi syndrome due to CREBBP mutations (RSTS1). Also called: Rubinstein-Taybi syndrome 1; BROAD THUMBS AND GREAT TOES, CHARACTERISTIC FACIES, AND IMPAIRED INTELLECTUAL DEVELOPMENT; CREBBP-Related Rubinstein-Taybi Syndrome; BROAD THUMB-HALLUX SYNDROME; RUBINSTEIN-TAYBI SYNDROME 1, INCOMPLETE; RUBINSTEIN SYNDROME. Identifiers: Orphanet 353277, Orphanet 783, MedGen C4551859, MONDO:0008393, OMIM 180849.
Inborn genetic diseases. Identifiers: MedGen C0950123, MeSH D030342.
Rubinstein-Taybi syndrome (RSTS). Identifiers: Orphanet 783, MedGen C0035934, MONDO:0019188.
CREBBP-related disorder. Also called: CREBBP-related disorders; CREBBP-related condition.

Allele frequency attached by ClinVar (database versions not stated): gnomAD 0.00002 and 0.00003; TOPMed 0.00005; ExAC 0.00013; gnomAD exomes 0.00018.
gnomAD v4.1: 57 of 1,613,392 alleles (0.0035%); highest among the groups gnomAD compares: Admixed American, 0.093%; no homozygotes.

Submissions (6):

Labcorp Genetics (formerly Invitae), Labcorp
Classification: Likely benign for Rubinstein-Taybi syndrome. Last evaluated: 2026-01-19. Review status: criteria provided, single submitter. Criteria: Invitae Variant Classification Sherloc (09022015). Collection method: clinical testing. Allele origin: germline.

Blueprint Genetics
Classification: Likely benign. Last evaluated: 2023-07-13. Review status: criteria provided, single submitter. Criteria: ACMG Guidelines, 2015. Collection method: clinical testing. Allele origin: germline.

Ambry Genetics
Classification: Likely benign for Inborn genetic diseases. Last evaluated: 2022-06-09. Review status: criteria provided, single submitter. Criteria: Ambry Variant Classification Scheme 2023. Collection method: clinical testing. Allele origin: germline.

Fulgent Genetics
Classification: Likely benign for Rubinstein-Taybi syndrome due to CREBBP mutations; Menke-Hennekam syndrome 1. Last evaluated: 2022-04-06. Review status: criteria provided, single submitter. Criteria: ACMG Guidelines, 2015. Collection method: clinical testing. Allele origin: unknown.

GeneDx
Classification: Benign. Last evaluated: 2020-07-30. Review status: criteria provided, single submitter. Criteria: GeneDx Variant Classification Process June 2021. Collection method: clinical testing. Allele origin: germline. Affected: yes.

PreventionGenetics, part of Exact Sciences
Classification: Likely benign for CREBBP-related condition. Last evaluated: 2021-11-05. Review status: no assertion criteria provided. Collection method: clinical testing. Allele origin: germline. Not counted in ClinVar's aggregate classification.
Comment: This variant is classified as likely benign based on ACMG/AMP sequence variant interpretation guidelines (Richards et al. 2015 PMID: 25741868, with internal and published modifications).

NM_004380.3(CREBBP):c.2482G>T (p.Ala828Ser)

Gene: CREBBP (CREB binding lysine acetyltransferase; minus strand). Cytogenetic location: 16p13.3.
Variant type: single nucleotide variant.
Coding change: c.2482G>T on transcript NM_004380.3 (MANE Select); coding-DNA position 2482, G replaced by T.
Protein change: p.Ala828Ser; replaces alanine 828 with serine.
Molecular consequence: missense variant.
Genome position (GRCh38, 1-based): chr16:3,770,968, C>A on the plus strand (G>T on the coding strand, the complement: CREBBP is on the minus strand). VCF-style: chr16-3770968-C-A. GRCh37 (hg19) VCF-style: chr16-3820969-C-A.
Other names: c.2368G>T, p.Ala790Ser (NM_001079846.1); short protein forms A828S, A790S.
Identifiers: ClinVar variation 589088 (VCV000589088.15), dbSNP rs779000839, ClinGen allele CA7870100.